The following is an entry in ClinVar:

ClinVar aggregate classification (germline): Uncertain significance (1 of 4 stars; one submission).

Allele frequency attached by ClinVar (database versions not stated): gnomAD exomes 0.00001.
gnomAD v4.1: 4 of 1,614,190 alleles (0.00025%); highest among the groups gnomAD compares: South Asian, 0.0044%; no homozygotes.

Submission:

GeneDx
Classification: Uncertain significance. Last evaluated: 2022-02-25. Review status: criteria provided, single submitter. Criteria: GeneDx Variant Classification Process June 2021. Collection method: clinical testing. Allele origin: germline. Affected: yes.
Comment: In silico analysis supports that this missense variant does not alter protein structure/function; Has not been previously published as pathogenic or benign to our knowledge

NM_001374828.1(ARID1B):c.5642A>G (p.Asp1881Gly)

Gene: ARID1B (AT-rich interaction domain 1B; plus strand). Cytogenetic location: 6q25.3.
Variant type: single nucleotide variant.
Coding change: c.5642A>G on transcript NM_001374828.1 (MANE Select); coding-DNA position 5642, A replaced by G.
Protein change: p.Asp1881Gly; replaces aspartic acid 1881 with glycine.
Molecular consequence: missense variant.
Genome position (GRCh38, 1-based): chr6:157,206,414, A>G. VCF-style: chr6-157206414-A-G. GRCh37 (hg19) VCF-style: chr6-157527548-A-G.
Other names: c.5273A>G (NM_020732.3); c.3143A>G, p.Asp1048Gly (NM_001363725.2); c.5522A>G, p.Asp1841Gly (NM_001371656.1, NM_001374820.1); c.5483A>G, p.Asp1828Gly (NM_017519.3); short protein forms D1048G, D1828G, D1841G, D1881G.
Identifiers: ClinVar variation 1703396 (VCV001703396.2), dbSNP rs1360183236, ClinGen allele CA366246304.